The following is an entry in ClinVar:

ClinVar aggregate classification (germline): Uncertain significance (1 of 4 stars; one submission).

Submission:

Labcorp Genetics (formerly Invitae), Labcorp
Classification: Uncertain significance. Last evaluated: 2022-11-15. Review status: criteria provided, single submitter. Criteria: Invitae Variant Classification Sherloc (09022015). Collection method: clinical testing. Allele origin: germline.
Comment: Algorithms developed to predict the effect of sequence changes on RNA splicing suggest that this variant may disrupt the consensus splice site. In summary, the available evidence is currently insufficient to determine the role of this variant in disease. Therefore, it has been classified as a Variant of Uncertain Significance. This variant is not present in population databases (gnomAD no frequency). This variant has not been reported in the literature in individuals affected with ITSN2-related conditions. This variant results in the deletion of part of exon 21 (c.2536_2537+2del) of the ITSN2 gene. It is expected to disrupt RNA splicing. Variants that disrupt the donor or acceptor splice site typically lead to a loss of protein function (PMID: 16199547), however the current clinical and genetic evidence is not sufficient to establish whether loss-of-function variants in ITSN2 cause disease.

Literature cited by the submitters: PubMed 16199547.

NM_006277.3(ITSN2):c.2536_2537+2del

Gene: ITSN2 (intersectin 2; minus strand). Cytogenetic location: 2p23.3.
Variant type: Deletion.
Coding change: c.2536_2537+2del on transcript NM_006277.3 (MANE Select); coding-DNA position 2536 through the canonical splice donor site of the intron after coding-DNA position 2537, 4 bases deleted (GAGT; older notation c.2536_2537+2delGAGT).
Molecular consequence: splice donor variant.
Genome position (GRCh38, 1-based): chr2:24,261,559-24,261,562, ACTC deleted on the plus strand (GAGT on the coding strand, the reverse complement: ITSN2 is on the minus strand); deleting any 4 consecutive bases within chr2:24,261,559-24,261,563 gives the same sequence; the c. name uses the placement nearest the transcript's 3' end. VCF-style (leftmost placement, unchanged base first): chr2-24261558-TACTC-T. GRCh37 (hg19) VCF-style: chr2-24484427-TACTC-T.
Other names: c.2416_2417+2del (NM_001348182.2, NM_001348186.2); c.2455_2456+2del (NM_019595.4, NM_001348183.2); c.2494_2495+2del (NM_001348181.2); c.2536_2537+2del (NM_147152.3); c.2497_2498+2del (NM_001348185.2); c.2413_2414+2del (NM_001348184.2).
Identifiers: ClinVar variation 2814487 (VCV002814487.3), dbSNP rs2466319357, ClinGen allele CA2739274150.